The following is an entry in ClinVar:

ClinVar aggregate classification (germline): Uncertain significance (1 of 4 stars; one submission).

Conditions:
Dystonia 5 (DRD). Also called: DYT-GCH1; GTP Cyclohydrolase 1-Deficient Dopa-Responsive Dystonia; DYSTONIA, PROGRESSIVE, WITH DIURNAL VARIATION; DYSTONIA-PARKINSONISM WITH DIURNAL FLUCTUATION; Dystonia, DOPA-responsive, with or without hyperphenylalaninemia. Identifiers: Orphanet 98808, MedGen C1851920, MONDO:0007495, OMIM 128230.
GTP cyclohydrolase I deficiency. Identifiers: MedGen C0268467, MONDO:0100184.

Allele frequency attached by ClinVar (database versions not stated): ExAC 0.00001.
gnomAD v4.1: 4 of 1,609,426 alleles (0.00025%); highest among the groups gnomAD compares: East Asian, 0.0045%; no homozygotes.

Submission:

Labcorp Genetics (formerly Invitae), Labcorp
Classification: Uncertain significance for GTP cyclohydrolase I deficiency; Dystonia 5. Last evaluated: 2024-07-19. Review status: criteria provided, single submitter. Criteria: Invitae Variant Classification Sherloc (09022015). Collection method: clinical testing. Allele origin: germline.
Comment: This sequence change replaces arginine, which is basic and polar, with glycine, which is neutral and non-polar, at codon 59 of the GCH1 protein (p.Arg59Gly). This variant is present in population databases (rs753312849, gnomAD 0.01%). This missense change has been observed in individual(s) with dystonia (PMID: 18587264). ClinVar contains an entry for this variant (Variation ID: 2072725). Advanced modeling of protein sequence and biophysical properties (such as structural, functional, and spatial information, amino acid conservation, physicochemical variation, residue mobility, and thermodynamic stability) performed at Invitae indicates that this missense variant is not expected to disrupt GCH1 protein function with a negative predictive value of 95%. In summary, the available evidence is currently insufficient to determine the role of this variant in disease. Therefore, it has been classified as a Variant of Uncertain Significance.

Literature cited by the submitters: PubMed 18587264.

NM_000161.3(GCH1):c.175C>G (p.Arg59Gly)

Gene: GCH1 (GTP cyclohydrolase 1; minus strand). Cytogenetic location: 14q22.2.
Variant type: single nucleotide variant.
Coding change: c.175C>G on transcript NM_000161.3 (MANE Select); coding-DNA position 175, C replaced by G.
Protein change: p.Arg59Gly; replaces arginine 59 with glycine.
Molecular consequence: missense variant.
Genome position (GRCh38, 1-based): chr14:54,902,489, G>C on the plus strand (C>G on the coding strand, the complement: GCH1 is on the minus strand). VCF-style: chr14-54902489-G-C. GRCh37 (hg19) VCF-style: chr14-55369207-G-C.
Other names: c.175C>G, p.Arg59Gly (NM_001024024.2, NM_001024070.2, NM_001024071.2); short protein forms R59G.
Identifiers: ClinVar variation 2072725 (VCV002072725.4), dbSNP rs753312849, ClinGen allele CA7193669.
Genomic context (GRCh38, chr14:54,902,489, plus strand): 5'-GGATGGACGAGTAGGCGGCTGCCAGGTTAGGGAGGTTCAGCTCGTTATCCTCCTCGCTGC[G>C]GGGCCGCTCGCCCTTCCAGCCGTCCGCGGGCTGCGCGCTCTTGGCCTCGGGCCGCGGGGG-3'
Protein context (NP_000152.1, residues 49-69): PADGWKGERP[Arg59Gly]SEEDNELNLP